The following is an entry in ClinVar:

NM_001386010.1(ZCWPW1):c.828C>T (p.Asp276=)

Gene: ZCWPW1 (zinc finger CW-type and PWWP domain containing 1; minus strand). Cytogenetic location: 7q22.1.
Variant type: single nucleotide variant.
Coding change: c.828C>T on transcript NM_001386010.1 (MANE Select); coding-DNA position 828, C replaced by T.
Protein change: p.Asp276=; no amino-acid change (aspartic acid 276 retained).
Molecular consequence: synonymous variant. On other transcripts: 5 prime UTR variant (1), non-coding transcript variant (11), intron variant (1).
Genome position (GRCh38, 1-based): chr7:100,409,471, G>A on the plus strand (C>T on the coding strand, the complement: ZCWPW1 is on the minus strand). VCF-style: chr7-100409471-G-A. GRCh37 (hg19) VCF-style: chr7-100007094-G-A.
Other names: c.828C>T, p.Asp276= (NM_001258008.3, NM_001386013.1, NM_001386016.1 and 4 more transcripts); c.624C>T, p.Asp208= (NM_001386009.1, NM_001386019.1, NM_001386023.1); c.435C>T, p.Asp145= (NM_001386011.1, NM_001386012.1); c.225C>T, p.Asp75= (NM_001386015.1, NM_001386021.1); c.-104C>T (NM_001388066.1); c.825C>T, p.Asp275= (NM_017984.6); c.283-2673C>T (NM_001386008.1).
Identifiers: ClinVar variation 2657748 (VCV002657748.24), dbSNP rs768346152, ClinGen allele CA4381193.
Genomic context (GRCh38, chr7:100,409,471, plus strand): 5'-TTTCCAGTCTTTTCTACCTGTGTTCTGATCACAGGACCAATTATCTGGGAGAACTGAGGG[G>A]TCAATGTTCCCACACAGCCGCCTCCATTTCCCACAGTTTGGGAAGGAACACTGGACCCAG-3'
Protein context (NP_001372939.1, residues 266-286): GKWRRLCGNI[Asp276=]PSVLPDNWSC

ClinVar aggregate classification (germline): Likely benign (1 of 4 stars; one submission).

Allele frequency attached by ClinVar (database versions not stated): gnomAD exomes below 0.00001; ExAC 0.00001.
gnomAD v4.1: 4 of 1,614,108 alleles (0.00025%); highest among the groups gnomAD compares: East Asian, 0.0089%; no homozygotes.

Submission:

CeGaT Center for Human Genetics Tuebingen
Classification: Likely benign. Last evaluated: 2022-07-01. Review status: criteria provided, single submitter. Criteria: CeGaT Center For Human Genetics Tuebingen Variant Classification Criteria Version 2. Collection method: clinical testing. Allele origin: germline. Affected: yes. Observed: 1 variant allele.
Comment: ZCWPW1: BP4, BP7